The following is an entry in ClinVar:

NM_002465.4(MYBPC1):c.297T>C (p.Asp99=)

Gene: MYBPC1 (myosin binding protein C1; plus strand). Cytogenetic location: 12q23.2.
Variant type: single nucleotide variant.
Coding change: c.297T>C on transcript NM_002465.4 (MANE Select); coding-DNA position 297, T replaced by C.
Protein change: p.Asp99=; no amino-acid change (aspartic acid 99 retained).
Molecular consequence: synonymous variant.
Genome position (GRCh38, 1-based): chr12:101,631,578, T>C. VCF-style: chr12-101631578-T-C. GRCh37 (hg19) VCF-style: chr12-102025356-T-C.
Other names: c.222T>C, p.Asp74= (NM_001254718.3, NM_001254719.3, NM_001254721.3 and 4 more transcripts); c.186T>C, p.Asp62= (NM_001254720.3); c.144T>C, p.Asp48= (NM_001254722.3, NM_001404677.1, NM_001404679.1 and 2 more transcripts); c.183T>C, p.Asp61= (NM_001254723.3); c.297T>C, p.Asp99= (NM_001404675.1, NM_206819.4).
Identifiers: ClinVar variation 4873216 (VCV004873216.2).

ClinVar aggregate classification (germline): Likely benign (1 of 4 stars; one submission).

Submission:

CeGaT Center for Human Genetics Tuebingen
Classification: Likely benign. Last evaluated: 2026-05-01. Review status: criteria provided, single submitter. Criteria: CeGaT Center For Human Genetics Tuebingen Variant Classification Criteria Version 2. Collection method: clinical testing. Allele origin: germline. Affected: yes. Observed: 1 variant allele.
Comment: MYBPC1: PM2:Supporting, BP4, BP7